The following is an entry in ClinVar:

ClinVar aggregate classification (germline): Uncertain significance (0 of 4 stars; one submission).

Conditions:
PLXNA3-related disorder. Also called: PLXNA3-related condition.

gnomAD v4.1: 2 of 1,208,453 alleles (0.00017%); highest among the groups gnomAD compares: Non-Finnish European, 0.00022%; no homozygotes.

Submission:

PreventionGenetics, part of Exact Sciences
Classification: Uncertain significance for PLXNA3-related condition. Last evaluated: 2024-02-16. Review status: no assertion criteria provided. Collection method: clinical testing. Allele origin: germline.
Comment: The PLXNA3 c.1832C>A variant is predicted to result in the amino acid substitution p.Ala611Asp. To our knowledge, this variant has not been reported in the literature or in a large population database, indicating this variant is rare. At this time, the clinical significance of this variant is uncertain due to the absence of conclusive functional and genetic evidence.

NM_017514.5(PLXNA3):c.1832C>A (p.Ala611Asp)

Gene: PLXNA3 (plexin A3; plus strand). Cytogenetic location: Xq28.
Variant type: single nucleotide variant.
Coding change: c.1832C>A on transcript NM_017514.5 (MANE Select); coding-DNA position 1832, C replaced by A.
Protein change: p.Ala611Asp; replaces alanine 611 with aspartic acid.
Molecular consequence: missense variant.
Genome position (GRCh38, 1-based): chrX:154,464,405, C>A. VCF-style: chrX-154464405-C-A. GRCh37 (hg19) VCF-style: chrX-153692748-C-A.
Other names: short protein forms A611D.
Identifiers: ClinVar variation 3350029 (VCV003350029.1).